The following is an entry in ClinVar:

ClinVar aggregate classification (germline): Uncertain significance (1 of 4 stars; one submission).

Conditions:
Neurodegeneration with brain iron accumulation 5 (NBIA5). Also called: STATIC ENCEPHALOPATHY OF CHILDHOOD WITH NEURODEGENERATION IN ADULTHOOD; Beta-propeller protein-associated neurodegeneration. Identifiers: Orphanet 329284, MedGen C3550973, MONDO:0010476, OMIM 300894.

Submission:

Labcorp Genetics (formerly Invitae), Labcorp
Classification: Uncertain significance for Neurodegeneration with brain iron accumulation 5. Last evaluated: 2026-01-19. Review status: criteria provided, single submitter. Criteria: Invitae Variant Classification Sherloc (09022015). Collection method: clinical testing. Allele origin: germline.
Comment: This sequence change falls in intron 4 of the WDR45 gene. It does not directly change the encoded amino acid sequence of the WDR45 protein. It affects a nucleotide within the consensus splice site. This variant is not present in population databases (gnomAD no frequency). This variant has not been reported in the literature in individuals affected with WDR45-related conditions. ClinVar contains an entry for this variant (Variation ID: 1386871). Variants that disrupt the consensus splice site are a relatively common cause of aberrant splicing (PMID: 17576681, 9536098). Algorithms developed to predict the effect of sequence changes on RNA splicing suggest that this variant may disrupt the consensus splice site. In summary, the available evidence is currently insufficient to determine the role of this variant in disease. Therefore, it has been classified as a Variant of Uncertain Significance.

Literature cited by the submitters: PubMed 17576681; PubMed 9536098.

NM_001029896.2(WDR45):c.130+5G>A

Genes: WDR45 (WD repeat domain 45; minus strand), LOC126863256 (BRD4-independent group 4 enhancer GRCh37_chrX:48934848-48936047; plus strand). Cytogenetic location: Xp11.23.
Variant type: single nucleotide variant.
Coding change: c.130+5G>A on transcript NM_001029896.2 (MANE Select); 5 bases into the intron after coding-DNA position 130, G replaced by A.
Molecular consequence: intron variant.
Genome position (GRCh38, 1-based): chrX:49,077,832, C>T on the plus strand (G>A on the coding strand, the complement: WDR45 is on the minus strand). VCF-style: chrX-49077832-C-T. GRCh37 (hg19) VCF-style: chrX-48935491-C-T.
Other names: c.130+5G>A (NM_007075.4).
Identifiers: ClinVar variation 1386871 (VCV001386871.6), dbSNP rs2147817617, ClinGen allele CA2573158957.
Genomic context (GRCh38, chrX:49,077,832, plus strand): 5'-GGAGGTGGGAGCCAACGCCCAGCCCAGCTCTTCTGCCCATTGCCCCTCCCCTGCCAACAG[C>T]TCACCCAGATGCCCCTTCTCCATCAAGGGCTCCACGTTGTAGATGCGCACACCTGTCTCC-3'